The following is an entry in ClinVar:

ClinVar aggregate classification (germline): Uncertain significance (1 of 4 stars; one submission).

Conditions:
Cardiovascular phenotype. Identifiers: MedGen CN230736.

Submission:

Ambry Genetics
Classification: Uncertain significance for Cardiovascular phenotype. Last evaluated: 2025-02-20. Review status: criteria provided, single submitter. Criteria: Ambry Variant Classification Scheme 2023. Collection method: clinical testing. Allele origin: germline.
Comment: The p.D151G variant (also known as c.452A>G), located in coding exon 5 of the DSG2 gene, results from an A to G substitution at nucleotide position 452. The aspartic acid at codon 151 is replaced by glycine, an amino acid with similar properties. This amino acid position is conserved. In addition, this alteration is predicted to be deleterious by in silico analysis. Based on the available evidence, the clinical significance of this variant remains unclear.

NM_001943.5(DSG2):c.452A>G (p.Asp151Gly)

Gene: DSG2 (desmoglein 2; plus strand). Cytogenetic location: 18q12.1.
Variant type: single nucleotide variant.
Coding change: c.452A>G on transcript NM_001943.5 (MANE Select); coding-DNA position 452, A replaced by G.
Protein change: p.Asp151Gly; replaces aspartic acid 151 with glycine.
Molecular consequence: missense variant.
Genome position (GRCh38, 1-based): chr18:31,521,172, A>G. VCF-style: chr18-31521172-A-G. GRCh37 (hg19) VCF-style: chr18-29101135-A-G.
Other names: short protein forms D151G.
Identifiers: ClinVar variation 3842627 (VCV003842627.1).